The following is an entry in ClinVar:

NM_001142800.2(EYS):c.3567del (p.Gly1190fs)

Gene: EYS (EGF-like photoreceptor maintenance factor; minus strand). Cytogenetic location: 6q12.
Variant type: Deletion.
Coding change: c.3567del on transcript NM_001142800.2 (MANE Select); coding-DNA position 3567, one base deleted (A; older notation c.3567delA).
Protein change: p.Gly1190fs; shifts the reading frame from glycine 1190.
Molecular consequence: frameshift variant.
Genome position (GRCh38, 1-based): chr6:64,626,122, T deleted on the plus strand (A on the coding strand, the reverse complement: EYS is on the minus strand). VCF-style (leftmost placement, unchanged base first): chr6-64626121-CT-C. GRCh37 (hg19) VCF-style: chr6-65336014-CT-C.
Other names: c.3567del, p.Gly1190fs (NM_001292009.2); short protein forms G1190fs.
Identifiers: ClinVar variation 1065732 (VCV001065732.7), dbSNP rs1767601116, ClinGen allele CA1633826174.

ClinVar aggregate classification (germline): Pathogenic/Likely pathogenic. Review status: criteria provided, multiple submitters, no conflicts (2 of 4 stars). 2 submissions from 2 submitters: Pathogenic (1); Likely pathogenic (1). Last evaluated 2021-12-07.

Conditions:
Retinitis pigmentosa 25 (RP25). Identifiers: Orphanet 791, MedGen C1864446, MONDO:0011272, OMIM 602772.

Allele frequency attached by ClinVar (database versions not stated): gnomAD exomes below 0.00001; TOPMed 0.00001.

Submissions (2):

Labcorp Genetics (formerly Invitae), Labcorp
Classification: Pathogenic. Last evaluated: 2021-12-07. Review status: criteria provided, single submitter. Criteria: Invitae Variant Classification Sherloc (09022015). Collection method: clinical testing. Allele origin: germline.
Comment: For these reasons, this variant has been classified as Pathogenic. Algorithms developed to predict the effect of sequence changes on RNA splicing suggest that this variant may disrupt the consensus splice site. This sequence change creates a premature translational stop signal (p.Gly1190Aspfs*39) in the EYS gene. It is expected to result in an absent or disrupted protein product. Loss-of-function variants in EYS are known to be pathogenic (PMID: 18836446, 20333770). This variant is not present in population databases (gnomAD no frequency). This premature translational stop signal has been observed in individual(s) with retinitis pigmentosa (PMID: 20333770). ClinVar contains an entry for this variant (Variation ID: 1065732).

Ocular Genomics Institute, Massachusetts Eye and Ear
Classification: Likely pathogenic for Retinitis pigmentosa 25. Last evaluated: 2021-04-08. Review status: criteria provided, single submitter. Criteria: ACMG Guidelines, 2015. Collection method: research. Allele origin: germline. Affected: yes.
Comment: Through a review of available evidence we were able to apply the following criteria: PVS1, PM2. Based on this evidence we have classified this variant as Likely Pathogenic.

Literature cited by the submitters: PubMed 18836446 (cited by Labcorp Genetics (formerly Invitae), Labcorp); PubMed 20333770 (cited by Labcorp Genetics (formerly Invitae), Labcorp).